The following is an entry in ClinVar:

NM_016120.4(RLIM):c.779A>T (p.Glu260Val)

Gene: RLIM (ring finger protein, LIM domain interacting; minus strand). Cytogenetic location: Xq13.2.
Variant type: single nucleotide variant.
Coding change: c.779A>T on transcript NM_016120.4 (MANE Select); coding-DNA position 779, A replaced by T.
Protein change: p.Glu260Val; replaces glutamic acid 260 with valine.
Molecular consequence: missense variant.
Genome position (GRCh38, 1-based): chrX:74,592,536, T>A on the plus strand (A>T on the coding strand, the complement: RLIM is on the minus strand). VCF-style: chrX-74592536-T-A. GRCh37 (hg19) VCF-style: chrX-73812371-T-A.
Other names: c.779A>T, p.Glu260Val (NM_183353.3); short protein forms E260V.
Identifiers: ClinVar variation 4976200 (VCV004976200.1).

ClinVar aggregate classification (germline): Uncertain significance (1 of 4 stars; one submission).

Submission:

GeneDx
Classification: Uncertain significance. Last evaluated: 2026-02-06. Review status: criteria provided, single submitter. Criteria: GeneDx Variant Classification Process June 2021. Collection method: clinical testing. Allele origin: germline.
Comment: Not observed at significant frequency in large population cohorts (gnomAD); In silico analysis supports that this missense variant has a deleterious effect on protein structure/function; Has not been previously published as pathogenic or benign to our knowledge